The following is an entry in ClinVar:

NM_000057.4(BLM):c.4077-5T>C

Gene: BLM (BLM RecQ like helicase; plus strand). Cytogenetic location: 15q26.1.
Variant type: single nucleotide variant.
Coding change: c.4077-5T>C on transcript NM_000057.4 (MANE Select); 5 bases into the intron before coding-DNA position 4077, T replaced by C.
Molecular consequence: intron variant.
Genome position (GRCh38, 1-based): chr15:90,815,097, T>C. VCF-style: chr15-90815097-T-C. GRCh37 (hg19) VCF-style: chr15-91358327-T-C.
Other names: c.4077-5T>C (NM_001287246.2); c.2952-5T>C (NM_001287248.2); c.3684-5T>C (NM_001287247.2).
Identifiers: ClinVar variation 454148 (VCV000454148.20), dbSNP rs200653178, ClinGen allele CA7739195.

ClinVar aggregate classification (germline): Conflicting classifications of pathogenicity. Review status: criteria provided, conflicting classifications (1 of 4 stars). 6 submissions from 6 submitters: Uncertain significance (1); Benign (1); Likely benign (2). 2 of the submissions do not count toward it. Last evaluated 2026-04-23.

Conditions:
Hereditary cancer-predisposing syndrome. Also called: Tumor predisposition; Hereditary Cancer Syndrome; Hereditary neoplastic syndrome; Neoplastic Syndromes, Hereditary. Identifiers: Orphanet 140162, MedGen C0027672, MeSH D009386, MONDO:0015356.
Bloom syndrome (BLM). Also called: Bloom-Torre-Machacek syndrome. Identifiers: Orphanet 125, MedGen C0005859, MONDO:0008876, OMIM 210900.

Allele frequency attached by ClinVar (database versions not stated): TOPMed 0.00003; gnomAD exomes 0.00004 and 0.00007; gnomAD 0.00005; ExAC 0.00008; ESP Exome Variant Server 0.00008.
gnomAD v4.1: 68 of 1,613,808 alleles (0.0042%); highest among the groups gnomAD compares: Non-Finnish European, 0.0047%; no homozygotes.

Submissions (6):

Women's Health and Genetics/Laboratory Corporation of America, LabCorp
Classification: Likely benign. Last evaluated: 2026-04-23. Review status: criteria provided, single submitter. Criteria: LabCorp Variant Classification Summary - May 2015. Collection method: clinical testing. Allele origin: germline.
Comment: Variant summary: BLM c.4077-5T>C alters a non-conserved nucleotide located at a position not widely known to affect splicing. Consensus agreement among computation tools predict no significant impact on normal splicing. However, these predictions have yet to be confirmed by functional studies. The variant allele was found at a frequency of 7.2e-05 in 251248 control chromosomes. This frequency is not significantly higher than estimated for disease-causing variants in BLM, allowing no conclusion about variant significance. To our knowledge, no occurrence of c.4077-5T>C in individuals affected with BLM-related conditions and no experimental evidence demonstrating its impact on protein function have been reported. ClinVar contains an entry for this variant (Variation ID: 454148). Based on the evidence outlined above, the variant was classified as likely benign.

Labcorp Genetics (formerly Invitae), Labcorp
Classification: Likely benign for Bloom syndrome. Last evaluated: 2026-02-01. Review status: criteria provided, single submitter. Criteria: Invitae Variant Classification Sherloc (09022015). Collection method: clinical testing. Allele origin: germline.

Sema4
Classification: Uncertain significance for Hereditary cancer-predisposing syndrome. Last evaluated: 2021-07-28. Review status: criteria provided, single submitter. Criteria: Sema4 Curation Guidelines. Collection method: curation. Allele origin: germline.
Comment: The BLM c.4077-5T>C variant has not been reported in the literature to our knowledge. It was observed in 17/129126 chromosomes of the Non-Finnish European subpopulation, with no homozygotes, in the large and broad cohorts of the Genome Aggregation Database (PMID: 32461654). The variant has been reported in ClinVar (Variation ID 454148). In silico tools suggest that the variant does not impact splicing, though these predictions have not been confirmed by functional studies. The evidence is insufficient to meet ACMG/AMP criteria for classifying the variant as benign or pathogenic. Thus, the clinical significance of this variant is currently uncertain.

Ambry Genetics
Classification: Benign for Hereditary cancer-predisposing syndrome. Last evaluated: 2019-10-04. Review status: criteria provided, single submitter. Criteria: Ambry Variant Classification Scheme 2023. Collection method: clinical testing. Allele origin: germline.

Clinical Genetics DNA and cytogenetics Diagnostics Lab, Erasmus MC, Erasmus Medical Center
Classification: Likely benign. Review status: no assertion criteria provided. Collection method: clinical testing. Allele origin: germline. Affected: yes. Study: VKGL Data-share Consensus. Not counted in ClinVar's aggregate classification.

Genome Diagnostics Laboratory, University Medical Center Utrecht
Classification: Likely benign. Review status: no assertion criteria provided. Collection method: clinical testing. Allele origin: germline. Affected: yes. Study: VKGL Data-share Consensus. Not counted in ClinVar's aggregate classification.